The following is an entry in ClinVar:

NM_001111.5(ADAR):c.2668+6T>G

Genes: ADAR (adenosine deaminase RNA specific; minus strand), LOC126805874 (CDK7 strongly-dependent group 2 enhancer GRCh37_chr1:154561176-154562375; plus strand). Cytogenetic location: 1q21.3.
Variant type: single nucleotide variant.
Coding change: c.2668+6T>G on transcript NM_001111.5 (MANE Select); 6 bases into the intron after coding-DNA position 2668, T replaced by G.
Molecular consequence: intron variant.
Genome position (GRCh38, 1-based): chr1:154,589,751, A>C on the plus strand (T>G on the coding strand, the complement: ADAR is on the minus strand). VCF-style: chr1-154589751-A-C. GRCh37 (hg19) VCF-style: chr1-154562227-A-C.
Other names: c.1783+6T>G (NM_001365046.1, NM_001025107.3, NM_001365048.1 and 2 more transcripts); c.2695+6T>G (NM_001365045.1); c.1705+6T>G (NM_001365049.1); c.2533+6T>G (NM_015841.4); c.2590+6T>G (NM_015840.4).
Identifiers: ClinVar variation 2952654 (VCV002952654.3), dbSNP rs190881240, ClinGen allele CA2740090387.
Genomic context (GRCh38, chr1:154,589,751, plus strand): 5'-GGGGAGGATGAGAGGCACCCGCTTTCAGGCGCCATGGGAGGCGGCATGTCTCAGAGCCTC[A>C]CTCACCTGTTCCCAAGCTGACGACGACACCCATGTCCTCAGAGTCTTTTTTCATAATGAT-3'

ClinVar aggregate classification (germline): Uncertain significance (1 of 4 stars; one submission).

Conditions:
Symmetrical dyschromatosis of extremities (DSH). Also called: RETICULATE ACROPIGMENTATION OF DOHI; DYSCHROMATOSIS SYMMETRICA HEREDITARIA 1; SYMMETRIC DYSCHROMATOSIS OF THE EXTREMITIES; Dyschromatosis symmetrica hereditaria. Identifiers: Orphanet 41, MedGen C0406775, MONDO:0007483, OMIM 127400.
Aicardi-Goutieres syndrome 6 (AGS6). Identifiers: Orphanet 51, MedGen C3539013, MONDO:0014007, OMIM 615010.

Submission:

Labcorp Genetics (formerly Invitae), Labcorp
Classification: Uncertain significance for Aicardi-Goutieres syndrome 6; Symmetrical dyschromatosis of extremities. Last evaluated: 2023-10-07. Review status: criteria provided, single submitter. Criteria: Invitae Variant Classification Sherloc (09022015). Collection method: clinical testing. Allele origin: germline.
Comment: This sequence change falls in intron 8 of the ADAR gene. It does not directly change the encoded amino acid sequence of the ADAR protein. It affects a nucleotide within the consensus splice site. This variant is not present in population databases (gnomAD no frequency). This variant has not been reported in the literature in individuals affected with ADAR-related conditions. Variants that disrupt the consensus splice site are a relatively common cause of aberrant splicing (PMID: 17576681, 9536098). Algorithms developed to predict the effect of sequence changes on RNA splicing suggest that this variant may create or strengthen a splice site. In summary, the available evidence is currently insufficient to determine the role of this variant in disease. Therefore, it has been classified as a Variant of Uncertain Significance.

Literature cited by the submitters: PubMed 17576681; PubMed 9536098.